The following is an entry in ClinVar:

NM_021999.5(ITM2B):c.698G>T (p.Arg233Leu)

Gene: ITM2B (integral membrane protein 2B; plus strand). Cytogenetic location: 13q14.2.
Variant type: single nucleotide variant.
Coding change: c.698G>T on transcript NM_021999.5 (MANE Select); coding-DNA position 698, G replaced by T.
Protein change: p.Arg233Leu; replaces arginine 233 with leucine.
Molecular consequence: missense variant.
Genome position (GRCh38, 1-based): chr13:48,258,930, G>T. VCF-style: chr13-48258930-G-T. GRCh37 (hg19) VCF-style: chr13-48833066-G-T.
Other names: short protein forms R233L.
Identifiers: ClinVar variation 4979924 (VCV004979924.1).

ClinVar aggregate classification (germline): Uncertain significance (1 of 4 stars; one submission).

Conditions:
ITM2B-related disorder. Also called: ITM2B-related condition.

gnomAD v4.1: 19 of 1,612,774 alleles (0.0012%); highest among the groups gnomAD compares: Non-Finnish European, 0.0016%; no homozygotes.

Submission:

PreventionGenetics, part of Exact Sciences
Classification: Uncertain significance for ITM2B-related condition. Last evaluated: 2024-12-08. Review status: criteria provided, single submitter. Criteria: ACMG Guidelines, 2015. Collection method: clinical testing. Allele origin: germline.
Comment: The ITM2B c.698G>T variant is predicted to result in the amino acid substitution p.Arg233Leu. To our knowledge, this variant has not been reported in the literature or in a large population database (gnomAD), indicating this variant is rare. At this time, the clinical significance of this variant is uncertain due to the absence of conclusive functional and genetic evidence.